The following is an entry in ClinVar:

ClinVar aggregate classification (germline): Pathogenic/Likely pathogenic. Review status: criteria provided, multiple submitters, no conflicts (2 of 4 stars). 4 submissions from 4 submitters: Pathogenic (2); Likely pathogenic (2). Last evaluated 2024-10-03.

Conditions:
Ocular albinism, type I (OA1). Also called: Ocular albinism, type I, Nettleship-Falls type; Ocular Albinism type 1; NETTLESHIP-FALLS TYPE OCULAR ALBINISM; X-linked recessive ocular albinism. Identifiers: Orphanet 54, MedGen C0342684, MONDO:0021019, OMIM 300500.
GPR143-related disorders.

Submissions (4):

GeneDx
Classification: Likely pathogenic. Last evaluated: 2024-10-03. Review status: criteria provided, single submitter. Criteria: GeneDx Variant Classification Process June 2021. Collection method: clinical testing. Allele origin: germline. Affected: yes.
Comment: Canonical splice site variant predicted to result in an in-frame loss of the adjacent exon in a gene for which loss of function is a known mechanism of disease; Not observed at significant frequency in large population cohorts (gnomAD); This variant is associated with the following publications: (PMID: 25525159, 16646960)

Blueprint Genetics
Classification: Pathogenic for GPR143-related disorders. Last evaluated: 2024-07-30. Review status: criteria provided, single submitter. Criteria: ACMG Guidelines, 2015. Collection method: clinical testing. Allele origin: germline. Affected: yes. Observed: 5 variant alleles.

Labcorp Genetics (formerly Invitae), Labcorp
Classification: Likely pathogenic. Last evaluated: 2022-07-09. Review status: criteria provided, single submitter. Criteria: Invitae Variant Classification Sherloc (09022015). Collection method: clinical testing. Allele origin: germline.
Comment: In summary, the currently available evidence indicates that the variant is pathogenic, but additional data are needed to prove that conclusively. Therefore, this variant has been classified as Likely Pathogenic. Algorithms developed to predict the effect of sequence changes on RNA splicing suggest that this variant may disrupt the consensus splice site. ClinVar contains an entry for this variant (Variation ID: 915839). This variant is also known as 547+2T>A. Disruption of this splice site has been observed in individual(s) with ocular albinism (PMID: 16646960). This variant is not present in population databases (gnomAD no frequency). This sequence change affects a donor splice site in intron 4 of the GPR143 gene. It is expected to disrupt RNA splicing. Variants that disrupt the donor or acceptor splice site typically lead to a loss of protein function (PMID: 16199547), and loss-of-function variants in GPR143 are known to be pathogenic (PMID: 15965158, 18978956, 19390656, 21541274, 26160353, 28211458).

Molecular Diagnostics Laboratory, M Health Fairview: University of Minnesota
Classification: Pathogenic for Ocular albinism, type I. Last evaluated: 2020-02-03. Review status: criteria provided, single submitter. Criteria: ACMG Guidelines, 2015. Collection method: clinical testing. Allele origin: germline. Affected: yes. Observed: 1 variant allele.

Literature cited by the submitters: PubMed 16646960 (cited by Labcorp Genetics (formerly Invitae), Labcorp); PubMed 16199547 (cited by Labcorp Genetics (formerly Invitae), Labcorp); PubMed 15965158 (cited by Labcorp Genetics (formerly Invitae), Labcorp); PubMed 18978956 (cited by Labcorp Genetics (formerly Invitae), Labcorp); PubMed 19390656 (cited by Labcorp Genetics (formerly Invitae), Labcorp); PubMed 21541274 (cited by Labcorp Genetics (formerly Invitae), Labcorp); PubMed 26160353 (cited by Labcorp Genetics (formerly Invitae), Labcorp); PubMed 28211458 (cited by Labcorp Genetics (formerly Invitae), Labcorp).

NM_000273.3(GPR143):c.548+2T>A

Gene: GPR143 (G protein-coupled receptor 143; minus strand). Cytogenetic location: Xp22.2.
Variant type: single nucleotide variant.
Coding change: c.548+2T>A on transcript NM_000273.3 (MANE Select); the canonical splice donor site of the intron after coding-DNA position 548, T replaced by A.
Molecular consequence: splice donor variant.
Genome position (GRCh38, 1-based): chrX:9,748,572, A>T on the plus strand (T>A on the coding strand, the complement: GPR143 is on the minus strand). VCF-style: chrX-9748572-A-T. GRCh37 (hg19) VCF-style: chrX-9716612-A-T.
Identifiers: ClinVar variation 915839 (VCV000915839.8), dbSNP rs2083438278, ClinGen allele CA411997551.